The following is an entry in ClinVar:

NM_024334.3(TMEM43):c.443-2A>T

Gene: TMEM43 (transmembrane protein 43; plus strand). Cytogenetic location: 3p25.1.
Variant type: single nucleotide variant.
Coding change: c.443-2A>T on transcript NM_024334.3 (MANE Select); the canonical splice acceptor site of the intron before coding-DNA position 443, A replaced by T.
Molecular consequence: splice acceptor variant. On other transcripts: synonymous variant (1).
Genome position (GRCh38, 1-based): chr3:14,132,864, A>T. VCF-style: chr3-14132864-A-T. GRCh37 (hg19) VCF-style: chr3-14174364-A-T.
Other names: c.443-2A>T (NM_001407277.1, NM_001407279.1, NM_001407276.1 and 1 more transcripts); c.428-2A>T (NM_001407278.1); c.293-2A>T (NM_001407280.1); c.444A>T, p.Thr148= (NM_001407274.1).
Identifiers: ClinVar variation 2793050 (VCV002793050.4), dbSNP rs2470184393, ClinGen allele CA351535087.

ClinVar aggregate classification (germline): Uncertain significance (1 of 4 stars; one submission).

Conditions:
Arrhythmogenic right ventricular dysplasia 5. Also called: Arrhythmogenic Right Ventricular Dysplasia/Cardiomyopathy 5; ARRHYTHMOGENIC RIGHT VENTRICULAR DYSPLASIA, FAMILIAL, 5. Identifiers: MedGen C1858379, MONDO:0011459, OMIM 604400.

Submissions (2):

Labcorp Genetics (formerly Invitae), Labcorp
Classification: Uncertain significance for Arrhythmogenic right ventricular dysplasia 5. Last evaluated: 2023-12-06. Review status: criteria provided, single submitter. Criteria: Invitae Variant Classification Sherloc (09022015). Collection method: clinical testing. Allele origin: germline.
Comment: This sequence change affects an acceptor splice site in intron 5 of the TMEM43 gene. It is expected to disrupt RNA splicing. Variants that disrupt the donor or acceptor splice site typically lead to a loss of protein function (PMID: 16199547), however the current clinical and genetic evidence is not sufficient to establish whether loss-of-function variants in TMEM43 cause disease. This variant is not present in population databases (gnomAD no frequency). This variant has not been reported in the literature in individuals affected with TMEM43-related conditions. Algorithms developed to predict the effect of sequence changes on RNA splicing suggest that this variant may disrupt the consensus splice site. In summary, the available evidence is currently insufficient to determine the role of this variant in disease. Therefore, it has been classified as a Variant of Uncertain Significance.

Dr. Peter K. Rogan Lab, Western University
No classification provided (evidence only). Condition: Sarcoma. Review status: no classification provided. Collection method: in vitro. Allele origin: not applicable. Functional consequence: retained intron. Not counted in ClinVar's aggregate classification.

Literature cited by the submitters: PubMed 16199547 (cited by Labcorp Genetics (formerly Invitae), Labcorp).